The following is an entry in ClinVar:

NM_001387777.1(TNS1):c.5484C>T (p.Val1828=)

Gene: TNS1 (tensin 1; minus strand). Cytogenetic location: 2q35.
Variant type: single nucleotide variant.
Coding change: c.5484C>T on transcript NM_001387777.1 (MANE Select); coding-DNA position 5484, C replaced by T.
Protein change: p.Val1828=; no amino-acid change (valine 1828 retained).
Molecular consequence: synonymous variant.
Genome position (GRCh38, 1-based): chr2:217,804,495, G>A on the plus strand (C>T on the coding strand, the complement: TNS1 is on the minus strand). VCF-style: chr2-217804495-G-A. GRCh37 (hg19) VCF-style: chr2-218669218-G-A.
Other names: c.5130C>T, p.Val1710= (NM_001308022.2); c.5109C>T, p.Val1703= (NM_001308023.2); c.5172C>T, p.Val1724= (NM_022648.7).
Identifiers: ClinVar variation 3040649 (VCV003040649.2), dbSNP rs371606202, ClinGen allele CA2099256.

ClinVar aggregate classification (germline): Likely benign (0 of 4 stars; one submission).

Conditions:
TNS1-related disorder. Also called: TNS1-related condition.

Allele frequency attached by ClinVar (database versions not stated): gnomAD exomes 0.00002; ExAC 0.00008; ESP Exome Variant Server 0.00015; gnomAD 0.00017; TOPMed 0.00025.
gnomAD v4.1: 61 of 1,614,052 alleles (0.0038%); highest among the groups gnomAD compares: African/African-American, 0.072%; no homozygotes.

Submission:

PreventionGenetics, part of Exact Sciences
Classification: Likely benign for TNS1-related condition. Last evaluated: 2019-09-10. Review status: no assertion criteria provided. Collection method: clinical testing. Allele origin: germline.
Comment: This variant is classified as likely benign based on ACMG/AMP sequence variant interpretation guidelines (Richards et al. 2015 PMID: 25741868, with internal and published modifications).